The following is an entry in ClinVar:

ClinVar aggregate classification (germline): Benign (1 of 4 stars; one submission).

Allele frequency attached by ClinVar (database versions not stated): gnomAD exomes 0.03516 and 0.03930; 1000 Genomes Project 30x 0.04247; ExAC 0.04432; gnomAD 0.05320 and 0.05503.

Submission:

GeneDx
Classification: Benign. Last evaluated: 2018-06-16. Review status: criteria provided, single submitter. Criteria: GeneDx Variant Classification (06012015). Collection method: clinical testing. Allele origin: germline. Affected: yes.
Comment: This variant is considered likely benign or benign based on one or more of the following criteria: it is a conservative change, it occurs at a poorly conserved position in the protein, it is predicted to be benign by multiple in silico algorithms, and/or has population frequency not consistent with disease.

NM_001136472.2(LITAF):c.377+1685_377+1688dup

Gene: LITAF (lipopolysaccharide induced TNF factor; minus strand). Cytogenetic location: 16p13.13.
Variant type: Duplication.
Coding change: c.377+1685_377+1688dup on transcript NM_001136472.2 (MANE Select); bases 1685 to 1688 of the intron after coding-DNA position 377, 4 bases duplicated (CTTG; older notation c.377+1685_377+1688dupCTTG).
Molecular consequence: intron variant.
Genome position (GRCh38, 1-based): chr16:11,551,845-11,551,848, CAAG duplicated on the plus strand (CTTG on the coding strand, the reverse complement: LITAF is on the minus strand). VCF-style (leftmost placement, unchanged base first): chr16-11551844-A-ACAAG. GRCh37 (hg19) VCF-style: chr16-11645700-A-ACAAG.
Other names: c.378-44_378-41dup (NM_001136473.1); c.377+1685_377+1688dup (NM_004862.4); c.377+1688_377+1689insCTTG (NM_004862.3).
Identifiers: ClinVar variation 672580 (VCV000672580.1), dbSNP rs148088828, ClinGen allele CA7904066.
Genomic context (GRCh38, chr16:11,551,844, plus strand): 5'-ATCGTACCACTGCACTCCTGCCTGGACAACAGAGCAAGACTCAGCCTCAAACAAAACAAA[A>ACAAG]CAAGTTTCTATTCCATCTTTCCCTGATTCCAAAGATAAAAAATTTGTTTTAATACAAATA-3'